The following is an entry in ClinVar:

ClinVar aggregate classification (germline): other (0 of 4 stars; one submission).

Conditions:
Familial colorectal cancer. Identifiers: MedGen CN280943, MONDO:0023113. Disease mechanism: loss of function.

Allele frequency attached by ClinVar (database versions not stated): TOPMed below 0.00001.

Submission:

Systems Biology Platform Zhejiang California International NanoSystems Institute
Classification: other for Familial colorectal cancer. Review status: no assertion criteria provided. Collection method: not provided. Allele origin: unknown.
ClinVar note: Converted during submission from cancer to other.

NM_000038.6(APC):c.532-1772G>T

Gene: APC (APC regulator of WNT signaling pathway; plus strand). Cytogenetic location: 5q22.2.
Variant type: single nucleotide variant.
Coding change: c.532-1772G>T on transcript NM_000038.6 (MANE Select); 1772 bases into the intron before coding-DNA position 532, G replaced by T.
Molecular consequence: intron variant.
Genome position (GRCh38, 1-based): chr5:112,779,018, G>T. VCF-style: chr5-112779018-G-T. GRCh37 (hg19) VCF-style: chr5-112114715-G-T.
Other names: c.532-1772G>T (NM_001354895.2, NM_001127510.3, NM_001354896.2 and 2 more transcripts); c.562-1772G>T (NM_001354897.2, NM_001354902.2, NM_001127511.3); c.457-1772G>T (NM_001354898.2, NM_001354904.2); c.-504-1772G>T (NM_001354906.2); c.355-1772G>T (NM_001354900.2, NM_001354901.2, NM_001354905.2).
Identifiers: ClinVar variation 82931 (VCV000082931.2), dbSNP rs80135229, ClinGen allele CA010228.